The following is an entry in ClinVar:

ClinVar aggregate classification (germline): Conflicting classifications of pathogenicity. Review status: criteria provided, conflicting classifications (1 of 4 stars). 4 submissions from 4 submitters: Uncertain significance (1); Benign (1); Likely benign (2). Last evaluated 2026-01-24.

Conditions:
ABCA4-related disorder. Also called: ABCA4-related disorders; ABCA4-related condition. Identifiers: MedGen CN239167.

Allele frequency attached by ClinVar (database versions not stated): gnomAD exomes 0.00049 and 0.00083; ExAC 0.00102; 1000 Genomes Project 0.00240; 1000 Genomes Project 30x 0.00265; gnomAD 0.00297 and 0.00325; TOPMed 0.00334; ESP Exome Variant Server 0.00400.
gnomAD v4.1: 1,177 of 1,613,004 alleles (0.073%); highest among the groups gnomAD compares: African/African-American, 1%; 4 homozygotes.

Submissions (4):

Labcorp Genetics (formerly Invitae), Labcorp
Classification: Benign. Last evaluated: 2026-01-24. Review status: criteria provided, single submitter. Criteria: Invitae Variant Classification Sherloc (09022015). Collection method: clinical testing. Allele origin: germline.

Blueprint Genetics
Classification: Likely benign. Last evaluated: 2024-09-16. Review status: criteria provided, single submitter. Criteria: ACMG Guidelines, 2015. Collection method: clinical testing. Allele origin: germline.

Illumina Laboratory Services, Illumina
Classification: Uncertain significance for ABCA4-Related Disorders. Last evaluated: 2018-01-13. Review status: criteria provided, single submitter. Criteria: ICSL Variant Classification Criteria 13 December 2019. Collection method: clinical testing. Allele origin: germline.

GeneDx
Classification: Likely benign. Last evaluated: 2017-05-31. Review status: criteria provided, single submitter. Criteria: GeneDx Variant Classification (06012015). Collection method: clinical testing. Allele origin: germline. Affected: yes.
Comment: This variant is considered likely benign or benign based on one or more of the following criteria: it is a conservative change, it occurs at a poorly conserved position in the protein, it is predicted to be benign by multiple in silico algorithms, and/or has population frequency not consistent with disease.

NM_000350.3(ABCA4):c.4352+14C>T

Gene: ABCA4 (ATP binding cassette subfamily A member 4; minus strand). Cytogenetic location: 1p22.1.
Variant type: single nucleotide variant.
Coding change: c.4352+14C>T on transcript NM_000350.3 (MANE Select); 14 bases into the intron after coding-DNA position 4352, C replaced by T.
Molecular consequence: intron variant.
Genome position (GRCh38, 1-based): chr1:94,030,414, G>A on the plus strand (C>T on the coding strand, the complement: ABCA4 is on the minus strand). VCF-style: chr1-94030414-G-A. GRCh37 (hg19) VCF-style: chr1-94495970-G-A.
Identifiers: ClinVar variation 516858 (VCV000516858.14), dbSNP rs75359153, ClinGen allele CA957645.